The following is an entry in ClinVar:

ClinVar aggregate classification (germline): Likely pathogenic (1 of 4 stars; one submission).

Conditions:
Dilated cardiomyopathy 1G (CMD1G). Identifiers: Orphanet 154, MedGen C1858763, MONDO:0011400, OMIM 604145.
Autosomal recessive limb-girdle muscular dystrophy type 2J (LGMDR10). Also called: Limb-girdle muscular dystrophy, type 2J; MUSCULAR DYSTROPHY, LIMB-GIRDLE, AUTOSOMAL RECESSIVE 10. Identifiers: Orphanet 140922, MedGen C1837342, MONDO:0012127, OMIM 608807.

gnomAD v4.1: 1 of 1,613,838 alleles (0.000062%); highest among the groups gnomAD compares: Non-Finnish European, 0.000085%; no homozygotes.

Submission:

Labcorp Genetics (formerly Invitae), Labcorp
Classification: Likely pathogenic for Dilated cardiomyopathy 1G; Autosomal recessive limb-girdle muscular dystrophy type 2J. Last evaluated: 2023-06-22. Review status: criteria provided, single submitter. Criteria: Invitae Variant Classification Sherloc (09022015). Collection method: clinical testing. Allele origin: germline.
Comment: This variant has not been reported in the literature in individuals affected with TTN-related conditions. In summary, the currently available evidence indicates that the variant is pathogenic, but additional data are needed to prove that conclusively. Therefore, this variant has been classified as Likely Pathogenic. This variant is located in the A band of TTN (PMID: 25589632). Truncating variants in this region are significantly overrepresented in patients affected with dilated cardiomyopathy (PMID: 25589632). Truncating variants in this region have also been reported in individuals affected with autosomal recessive centronuclear myopathy (PMID: 23975875). This variant is not present in population databases (gnomAD no frequency). This sequence change creates a premature translational stop signal (p.Tyr29769*) in the TTN gene. While this is not anticipated to result in nonsense mediated decay, it is expected to create a truncated TTN protein.

Literature cited by the submitters: PubMed 25589632; PubMed 23975875.

NM_001267550.2(TTN):c.89307T>A (p.Tyr29769Ter)

Genes: TTN-AS1 (TTN antisense RNA 1; plus strand), TTN (titin; minus strand). Cytogenetic location: 2q31.2.
Variant type: single nucleotide variant.
Coding change: c.89307T>A on transcript NM_001267550.2 (MANE Select); coding-DNA position 89307, T replaced by A.
Protein change: p.Tyr29769Ter; replaces tyrosine 29769 with a stop codon.
Molecular consequence: nonsense.
Genome position (GRCh38, 1-based): chr2:178,553,698, A>T on the plus strand (T>A on the coding strand, the complement: TTN is on the minus strand). VCF-style: chr2-178553698-A-T. GRCh37 (hg19) VCF-style: chr2-179418425-A-T.
Other names: c.84384T>A, p.Tyr28128Ter (NM_001256850.1); c.62112T>A, p.Tyr20704Ter (NM_003319.4); c.81603T>A, p.Tyr27201Ter (NM_133378.4); c.62487T>A, p.Tyr20829Ter (NM_133432.3); c.62688T>A, p.Tyr20896Ter (NM_133437.4); short protein forms Y20704*, Y20829*, Y20896*, Y28128*, Y27201*, Y29769*.
Identifiers: ClinVar variation 2949154 (VCV002949154.3), dbSNP rs2469337078, ClinGen allele CA349519382.